The following is an entry in ClinVar:

NM_001283009.2(RTEL1):c.208C>T (p.Arg70Cys)

Genes: RTEL1 (regulator of telomere elongation helicase 1; plus strand), RTEL1-TNFRSF6B (RTEL1-TNFRSF6B readthrough (NMD candidate); plus strand). Cytogenetic location: 20q13.33.
Variant type: single nucleotide variant.
Coding change: c.208C>T on transcript NM_001283009.2 (MANE Select); coding-DNA position 208, C replaced by T.
Protein change: p.Arg70Cys; replaces arginine 70 with cysteine.
Molecular consequence: missense variant. On other transcripts: non-coding transcript variant (1), 5 prime UTR variant (1).
Genome position (GRCh38, 1-based): chr20:63,661,403, C>T. VCF-style: chr20-63661403-C-T. GRCh37 (hg19) VCF-style: chr20-62292756-C-T.
Other names: c.-462C>T (NM_001283010.1); c.208C>T, p.Arg70Cys (NM_016434.4, NM_032957.5); short protein forms R70C.
Identifiers: ClinVar variation 634523 (VCV000634523.10), dbSNP rs778775766, ClinGen allele CA9964141.

ClinVar aggregate classification (germline): Uncertain significance. Review status: criteria provided, multiple submitters, no conflicts (2 of 4 stars). 4 submissions from 4 submitters: Uncertain significance (4). Last evaluated 2025-09-05.

Conditions:
Dyskeratosis congenita, autosomal recessive 5 (DKCB5). Identifiers: MedGen C3554656, MONDO:0014076, OMIM 615190.
Pulmonary fibrosis and/or bone marrow failure, Telomere-related, 3. Also called: PULMONARY FIBROSIS AND/OR BONE MARROW FAILURE SYNDROME, TELOMERE-RELATED, 3. Identifiers: Orphanet 2032, MedGen C4225346, MONDO:0014613, OMIM 616373.

Allele frequency attached by ClinVar (database versions not stated): ExAC 0.00008; gnomAD exomes 0.00009; TOPMed 0.00009; gnomAD 0.00013.
gnomAD v4.1: 58 of 1,613,832 alleles (0.0036%); highest among the groups gnomAD compares: East Asian, 0.033%; no homozygotes.

Submissions (4):

Myriad Genetics, Inc.
Classification: Uncertain significance for Dyskeratosis congenita, autosomal recessive 5. Last evaluated: 2025-09-05. Review status: criteria provided, single submitter. Criteria: Myriad Autosomal Dominant, Autosomal Recessive and X-Linked Classification Criteria (2023). Collection method: clinical testing. Allele origin: unknown.
Comment: NM_001283009.1(RTEL1):c.208C>T(R70C) is a missense variant classified as a variant of uncertain significance in the context of RTEL1-related disorders. R70C has been observed in a case with relevant disease (PMID: 28495916). Relevant functional assessments of this variant are not available in the literature. R70C has been observed in referenced population frequency databases. In summary, there is insufficient evidence to classify NM_001283009.1(RTEL1):c.208C>T(R70C) as pathogenic or benign. Please note: this variant was assessed in the context of healthy population screening.

Labcorp Genetics (formerly Invitae), Labcorp
Classification: Uncertain significance for Dyskeratosis congenita, autosomal recessive 5; Pulmonary fibrosis and/or bone marrow failure, Telomere-related, 3. Last evaluated: 2025-08-26. Review status: criteria provided, single submitter. Criteria: Invitae Variant Classification Sherloc (09022015). Collection method: clinical testing. Allele origin: germline.
Comment: This sequence change replaces arginine, which is basic and polar, with cysteine, which is neutral and slightly polar, at codon 70 of the RTEL1 protein (p.Arg70Cys). The frequency data for this variant in the population databases is considered unreliable, as metrics indicate poor data quality at this position in the gnomAD database. This variant has not been reported in the literature in individuals affected with RTEL1-related conditions. ClinVar contains an entry for this variant (Variation ID: 634523). An algorithm developed to predict the effect of missense changes on protein structure and function (PolyPhen-2) suggests that this variant is likely to be tolerated. In summary, the available evidence is currently insufficient to determine the role of this variant in disease. Therefore, it has been classified as a Variant of Uncertain Significance.

GeneDx
Classification: Uncertain significance. Last evaluated: 2023-03-29. Review status: criteria provided, single submitter. Criteria: GeneDx Variant Classification Process June 2021. Collection method: clinical testing. Allele origin: germline. Affected: yes.
Comment: In silico analysis supports that this missense variant has a deleterious effect on protein structure/function; Published functional studies suggest p.R70C does not appear to induce alternative lengthening of telomeres pathway by T-circles (Cardoso et al., 2017); Observed in the germline of an individual with Dyskeratosis Congenita whose telomere length was within normal limits, as well as a patient with a clinical diagnosis of Fanconi Anemia (Cardoso et al., 2017; Chang et al., 2023); This variant is associated with the following publications: (PMID: 27149842, 28495916, 36463940)

Genomic Research Center, Shahid Beheshti University of Medical Sciences
Classification: Uncertain significance. Last evaluated: 2019-01-01. Review status: criteria provided, single submitter. Criteria: ACMG Guidelines, 2015. Collection method: clinical testing. Allele origin: unknown. Affected: yes. Observed: 1 variant allele.

Literature cited by the submitters: PubMed 28495916 (cited by Myriad Genetics, Inc.).